The following is an entry in ClinVar:

ClinVar aggregate classification (germline): Conflicting classifications of pathogenicity. Review status: criteria provided, conflicting classifications (1 of 4 stars). 18 submissions from 18 submitters: Uncertain significance (11); Likely benign (6). 1 of the submissions does not count toward it. Last evaluated 2026-08-19.

Conditions:
BARD1-related disorder. Also called: BARD1-related condition.
Hereditary cancer. Identifiers: MedGen C1333600.
Breast and/or ovarian cancer. Identifiers: MedGen CN221562.
Hereditary cancer-predisposing syndrome. Also called: Tumor predisposition; Neoplastic Syndromes, Hereditary; Hereditary neoplastic syndrome; Hereditary Cancer Syndrome. Identifiers: Orphanet 140162, MedGen C0027672, MeSH D009386, MONDO:0015356.
Familial cancer of breast. Also called: BREAST CANCER, FAMILIAL; Hereditary breast cancer; hereditary breast carcinoma. Identifiers: Orphanet 227535, MedGen C0346153, MONDO:0016419, OMIM 114480. Disease mechanism: loss of function.

Allele frequency attached by ClinVar (database versions not stated): gnomAD 0.00011 and 0.00010; gnomAD exomes 0.00013 and 0.00008; ExAC 0.00007; ESP Exome Variant Server 0.00008; TOPMed 0.00009.
gnomAD v4.1: 199 of 1,613,842 alleles (0.012%); highest among the groups gnomAD compares: Admixed American, 0.023%; no homozygotes.

Submissions 1 to 11 of 18:

PreventionGenetics, part of Exact Sciences
Classification: Uncertain significance for BARD1-related condition. Last evaluated: 2026-08-19. Review status: criteria provided, single submitter. Criteria: ACMG Guidelines, 2015. Collection method: clinical testing. Allele origin: germline.
Comment: The BARD1 c.1835A>T variant is predicted to result in the amino acid substitution p.Asp612Val. This variant has been reported in individuals with breast, ovarian, or colorectal cancer; however, it was also documented in control individuals (Table S4, Ramus et al. 2015. PubMed ID: 26315354; Table S1, Young et al. 2016. PubMed ID: 26787654; Table S4, Maxwell et al. 2016. PubMed ID: 27153395; Table S2, Ricker et al. 2017. PubMed ID: 28640387; Table S3, de Oliveira et al. 2022. PubMed ID: 35534704). Functional analysis indicated that this missense change did not lead to homology-mediated repair deficiency (Adamovich et al. 2019. PubMed ID: 30925164). This variant is reported in 0.023% of alleles in individuals of Latino descent in gnomAD and has conflicting interpretations in ClinVar, ranging from uncertain to likely benign (Variation ID: 142336). Although we suspect that this variant may be benign, at this time, the clinical significance of this variant is uncertain due to the absence of conclusive functional and genetic evidence.

Catlab - Consorci Sanitari de Terrassa
Classification: Uncertain significance for Hereditary cancer-predisposing syndrome. Last evaluated: 2026-07-29. Review status: criteria provided, single submitter. Criteria: ACMG Guidelines, 2015. Collection method: clinical testing. Allele origin: germline.
Comment: Based on the currently available information, this variant is classified as Uncertain Significance according to Richards 2015 guidelines. ACMG criteria: PP3.

Labcorp Genetics (formerly Invitae), Labcorp
Classification: Uncertain significance for Familial cancer of breast. Last evaluated: 2026-01-19. Review status: criteria provided, single submitter. Criteria: Invitae Variant Classification Sherloc (09022015). Collection method: clinical testing. Allele origin: germline.
Comment: This sequence change replaces aspartic acid, which is acidic and polar, with valine, which is neutral and non-polar, at codon 612 of the BARD1 protein (p.Asp612Val). This variant is present in population databases (rs201140528, gnomAD 0.02%). This missense change has been observed in individual(s) with personal and/or family history of breast and/or ovarian cancer. (PMID: 35534704, 35595798, 35957908). ClinVar contains an entry for this variant (Variation ID: 142336). An algorithm developed to predict the effect of missense changes on protein structure and function (PolyPhen-2) suggests that this variant is likely to be tolerated. Experimental studies have shown that this missense change does not substantially affect BARD1 function (PMID: 30925164). Studies have shown that this missense change is associated with inconclusive levels of altered splicing (internal data). In summary, the available evidence is currently insufficient to determine the role of this variant in disease. Therefore, it has been classified as a Variant of Uncertain Significance.

Women's Health and Genetics/Laboratory Corporation of America, LabCorp
Classification: Uncertain significance. Last evaluated: 2025-10-10. Review status: criteria provided, single submitter. Criteria: LabCorp Variant Classification Summary - May 2015. Collection method: clinical testing. Allele origin: germline.
Comment: Variant summary: BARD1 c.1835A>T (p.Asp612Val) results in a non-conservative amino acid change located in the BRCT domain (IPR001357) of the encoded protein sequence. Algorithms developed to predict the effect of missense changes on protein structure and function are either unavailable or do not agree on the potential impact of this missense change. The variant allele was found at a frequency of 8.5e-05 in 257966 control chromosomes, predominantly at a frequency of 0.00023 within the Latino subpopulation in the gnomAD database. The available data on variant occurrences in the general population are insufficient to allow any conclusion about variant significance. c.1835A>T has been reported in individuals affected with breast, ovarian, colon, or prostate cancer without strong evidence of causality (Ramus_2015, Young_2016, Ricker_2017, Akcay_2021, Benito-Sanchez_2022, Gifoni_2022, Dillon_2022). These reports do not provide unequivocal conclusions about association of the variant with Hereditary Breast And Ovarian Cancer Syndrome. At least one publication reports experimental evidence evaluating an impact on protein function. These results showed no damaging effect of this variant (Adamovich_2019). The following publications have been ascertained in the context of this evaluation (PMID: 26315354, 26787654, 27153395, 28640387, 30925164, 32658311, 35595798, 35957908, 35768576). ClinVar contains an entry for this variant (Variation ID: 142336). Based on the evidence outlined above, the variant was classified as uncertain significance.

Quest Diagnostics Nichols Institute San Juan Capistrano
Classification: Uncertain significance. Last evaluated: 2025-06-30. Review status: criteria provided, single submitter. Criteria: Quest Diagnostics criteria. Collection method: clinical testing. Allele origin: unknown.
Comment: The BARD1 c.1835A>T (p.Asp612Val) variant has been reported in the published literature in individuals with breast cancer (PMIDs: 35534704 (2022), 35595798 (2022), 35957908 (2022), 32658311 (2021), 33471991 (2021), 27153395 (2016), see also LOVD) and colorectal cancer (PMID: 28640387 (2017)). It has also been identified in reportedly unaffected individuals (PMID: 26315354 (2015), 33471991 (2021), see also LOVD). In addition, a functional study indicated that this variant showed DNA repair activity comparable to the wild type (PMID: 30925164 (2019)). The frequency of this variant in the general population (Genome Aggregation Database) is uninformative in the assessment of its pathogenicity. Analysis of this variant using bioinformatics tools for the prediction of the effect of amino acid changes on protein structure and function yielded predictions that this variant is benign. Based on the available information, we are unable to determine the clinical significance of this variant.

GeneDx
Classification: Uncertain significance. Last evaluated: 2025-04-10. Review status: criteria provided, single submitter. Criteria: GeneDx Variant Classification Process June 2021. Collection method: clinical testing. Allele origin: germline. Affected: yes.
Comment: Observed in individuals with personal or family history of breast, ovarian, or colorectal cancer, as well as in controls (PMID: 26787654, 27153395, 26315354, 28640387, 32658311, 35595798); Published functional studies suggest a neutral effect: homology-directed repair activity similar to a wild type control (PMID: 30925164); In silico analysis supports that this missense variant has a deleterious effect on protein structure/function; In silico analysis supports a deleterious effect on splicing; This variant is associated with the following publications: (PMID: 28640387, 26315354, 26787654, 27153395, 27997549, 17550235, 35595798, 32658311, 33471991, 30925164, 35534704, 35957908, 38136308, 35768576)

Color Diagnostics, LLC DBA Color Health
Classification: Likely benign for Hereditary cancer-predisposing syndrome. Last evaluated: 2024-09-19. Review status: criteria provided, single submitter. Criteria: ACMG Guidelines, 2015. Collection method: clinical testing. Allele origin: germline.

Mendelics
Classification: Likely benign for Hereditary cancer. Last evaluated: 2024-09-11. Review status: criteria provided, single submitter. Criteria: ACMG Guidelines, 2015. Collection method: clinical testing. Allele origin: unknown.
Comment: This variant is considered likely benign or benign based on one or more of the following: it is predicted to be benign by multiple in silico algorithms, and/or has population frequency not consistent with disease, and/or has normal protein function, and/or has lack of segregation with disease, and/or has been detected in co-occurrence with known pathogenic variant, and/or has lack of disease association in case-control studies, and/or is located in a region inconsistent with a known cause of pathogenicity.

Blueprint Genetics
Classification: Likely benign. Last evaluated: 2024-07-08. Review status: criteria provided, single submitter. Criteria: ACMG Guidelines, 2015. Collection method: clinical testing. Allele origin: germline.

CHEO Genetics Diagnostic Laboratory, Children's Hospital of Eastern Ontario
Classification: Likely benign for Breast and/or ovarian cancer. Last evaluated: 2023-04-25. Review status: criteria provided, single submitter. Criteria: ACMG Guidelines, 2015. Collection method: clinical testing. Allele origin: germline.

Myriad Genetics, Inc.
Classification: Likely benign for Familial cancer of breast. Last evaluated: 2023-02-24. Review status: criteria provided, single submitter. Criteria: Myriad Autosomal Dominant, Autosomal Recessive and X-Linked Classification Criteria (2023). Collection method: clinical testing. Allele origin: unknown.
Comment: This variant is considered likely benign. This variant is strongly associated with less severe personal and family histories of cancer, typical for individuals without pathogenic variants in this gene [PMID: 25085752].

NM_000465.4(BARD1):c.1835A>T (p.Asp612Val)

Gene: BARD1 (BRCA1 associated RING domain 1; minus strand). Cytogenetic location: 2q35.
Variant type: single nucleotide variant.
Coding change: c.1835A>T on transcript NM_000465.4 (MANE Select); coding-DNA position 1835, A replaced by T.
Protein change: p.Asp612Val; replaces aspartic acid 612 with valine.
Molecular consequence: missense variant. On other transcripts: non-coding transcript variant (3), intron variant (1).
Genome position (GRCh38, 1-based): chr2:214,745,135, T>A on the plus strand (A>T on the coding strand, the complement: BARD1 is on the minus strand). VCF-style: chr2-214745135-T-A. GRCh37 (hg19) VCF-style: chr2-215609859-T-A.
Other names: p.D612V:GAT>GTT; c.1778A>T, p.Asp593Val (NM_001282543.2); c.482A>T, p.Asp161Val (NM_001282545.2); c.425A>T, p.Asp142Val (NM_001282548.2); c.365-14627A>T (NM_001282549.2); short protein forms D612V, D161V, D593V, D142V.
Identifiers: ClinVar variation 142336 (VCV000142336.48), dbSNP rs201140528, ClinGen allele CA333248.